The following is an entry in ClinVar:

ClinVar aggregate classification (germline): Conflicting classifications of pathogenicity. Review status: criteria provided, conflicting classifications (1 of 4 stars). 10 submissions from 10 submitters: Uncertain significance (4); Likely benign (6). Last evaluated 2026-10-15.

Conditions:
Familial thoracic aortic aneurysm and aortic dissection (TAAD). Also called: Thoracic aortic aneurysms and dissections. Identifiers: Orphanet 91387, MedGen C4707243, MONDO:0019625.
Ehlers-Danlos syndrome, classic type, 1 (EDSCL1). Also called: EHLERS-DANLOS SYNDROME, GRAVIS TYPE; EHLERS-DANLOS SYNDROME, SEVERE CLASSIC TYPE; Ehlers-Danlos syndrome, type 1; Ehlers-Danlos Syndrome, Classic Type, COL5A1-Related; EDS I. Identifiers: MedGen C0268335, MONDO:0019567, OMIM 130000.
Ehlers-Danlos syndrome, classic type (cEDS). Identifiers: Orphanet 287, MedGen C4225429, MONDO:0007522.

Allele frequency attached by ClinVar (database versions not stated): TOPMed 0.00006; ExAC 0.00007; gnomAD exomes 0.00007 and 0.00008; ESP Exome Variant Server 0.00008; gnomAD 0.00009.
gnomAD v4.1: 132 of 1,612,110 alleles (0.0082%); highest among the groups gnomAD compares: Non-Finnish European, 0.0091%; no homozygotes.

Submissions (10):

GeneDx
Classification: Uncertain significance. Last evaluated: 2026-10-15. Review status: criteria provided, single submitter. Criteria: GeneDx Variant Classification Process June 2021. Collection method: clinical testing. Allele origin: germline.
Comment: Identified in an infant with seizures, apnea, periodic fever, hypotonia, gastroesophageal reflux, atrial septal aneurysm, patent foramen ovale, fragile blood vessels and easy bruising in published literature; however, no segregation studies were reported (Dobrucka-Glowacka (2018) DOI 10.20966/chn.2018.54.424); Has been reported as a likely benign variant in a two generation family with soft, velvety skin, joint dislocations, and arthralgia (PMID: 35723357); Occurs in the triple helical domain at the Y position in the canonical Gly-X-Y repeat; although this variant may have an effect on normal protein folding and function, missense substitution at the Y position is not a common mechanism of disease (PMID: 22696272, HGMD); In silico analysis supports that this missense variant has a deleterious effect on protein structure/function; This variant is associated with the following publications: (PMID: 35723357, 22696272, Tonk2025[CaseReport], 39226896, 38562189)

CeGaT Center for Human Genetics Tuebingen
Classification: Likely benign. Last evaluated: 2026-06-01. Review status: criteria provided, single submitter. Criteria: CeGaT Center For Human Genetics Tuebingen Variant Classification Criteria Version 2. Collection method: clinical testing. Allele origin: germline. Affected: yes. Observed: 4 variant alleles.
Comment: COL5A1: BS2

Ambry Genetics
Classification: Likely benign for Familial thoracic aortic aneurysm and aortic dissection. Last evaluated: 2025-10-28. Review status: criteria provided, single submitter. Criteria: Ambry Variant Classification Scheme 2023. Collection method: clinical testing. Allele origin: germline.

Labcorp Genetics (formerly Invitae), Labcorp
Classification: Likely benign for Ehlers-Danlos syndrome, classic type, 1. Last evaluated: 2025-10-23. Review status: criteria provided, single submitter. Criteria: Invitae Variant Classification Sherloc (09022015). Collection method: clinical testing. Allele origin: germline.

Mayo Clinic Laboratories, Mayo Clinic
Classification: Uncertain significance. Last evaluated: 2025-08-25. Review status: criteria provided, single submitter. Criteria: ACMG Guidelines, 2015. Collection method: clinical testing. Allele origin: germline. Observed: 5 variant alleles.
Comment: BS1, PP1

Women's Health and Genetics/Laboratory Corporation of America, LabCorp
Classification: Likely benign. Last evaluated: 2025-05-08. Review status: criteria provided, single submitter. Criteria: LabCorp Variant Classification Summary - May 2015. Collection method: clinical testing. Allele origin: germline.
Comment: Variant summary: COL5A1 c.3023C>T (p.Thr1008Met) results in a non-conservative amino acid change in the encoded protein sequence. Algorithms developed to predict the effect of missense changes on protein structure and function all suggest that this variant is likely to be disruptive. The variant allele was found at a frequency of 6.9e-05 in 245812 control chromosomes. The observed variant frequency is approximately 2-fold of the estimated maximal expected allele frequency for a pathogenic variant in COL5A1 causing Ehlers-Danlos syndrome, classic type, Ehlers-Danlos syndrome, classic type, 1 phenotype (3.1e-05), suggesting the variant may be benign. c.3023C>T has been observed in individuals affected with classic type Ehlers-Danlos syndrome, hypermobility spectrum disorders, or early onset complications in Bicuspid Aortic Valve (e.g. Junkiert-Czarnecka_2022, Knight_2024, Mansoorshahi_2024). These reports do not provide unequivocal conclusions about association of the variant with Ehlers-Danlos syndrome, classic type, Ehlers-Danlos syndrome, classic type, 1. To our knowledge, no experimental evidence demonstrating an impact on protein function has been reported. ClinVar contains an entry for this variant (Variation ID: 213047). Based on the evidence outlined above, the variant was classified as likely benign.

Laboratory of Genetics, Children's Clinical University Hospital Latvia
Classification: Likely benign. Last evaluated: 2025-02-16. Review status: criteria provided, single submitter. Criteria: ACMG Guidelines, 2015. Collection method: clinical testing. Allele origin: germline. Affected: yes.

Blueprint Genetics
Classification: Uncertain significance. Last evaluated: 2024-11-14. Review status: criteria provided, single submitter. Criteria: ACMG Guidelines, 2015. Collection method: clinical testing. Allele origin: germline.

Pittsburgh Clinical Genomics Laboratory, University of Pittsburgh Medical Center
Classification: Uncertain significance for Ehlers-Danlos syndrome, classic type, 1. Last evaluated: 2022-06-17. Review status: criteria provided, single submitter. Criteria: ACMG Guidelines, 2015. Collection method: clinical testing. Allele origin: germline. Inheritance: Autosomal dominant inheritance. Affected: yes.
Comment: This sequence variant is a single nucleotide substitution (C>T) at coding position 3023 of the COL5A1 gene that results in a threonine to methionine amino acid change at residue 1008 of the COL5A1 protein. This is a previously reported variant (ClinVar) that has not been observed in the literature in individuals with COL5A1-related illness, to our knowledge. This variant is present in control population datasets (gnomAD database 21 of 277202 alleles or 0.0075%). Multiple bioinformatic tools predict that this variant would be damaging, and the Thr1008 residue is highly conserved across the mammalian species examined. Functiol studies testing the effect of this variant on protein structure or activity have not been performed, to our knowledge. At this time, there is insufficient evidence to determine if this variant is pathogenic or benign. Therefore, we consider this to be a variant of uncertain significance. ACMG Criteria: BP1

Illumina Laboratory Services, Illumina
Classification: Likely benign for Ehlers-Danlos syndrome, classic type, 1. Last evaluated: 2018-01-13. Review status: criteria provided, single submitter. Criteria: ICSL Variant Classification Criteria 13 December 2019. Collection method: clinical testing. Allele origin: germline.
Comment: This variant was observed in the ICSL laboratory as part of a predisposition screen in an ostensibly healthy population. It had not been previously curated by ICSL or reported in the Human Gene Mutation Database (HGMD: prior to June 1st, 2018), and was therefore a candidate for classification through an automated scoring system. Utilizing variant allele frequency, disease prevalence and penetrance estimates, and inheritance mode, an automated score was calculated to assess if this variant is too frequent to cause the disease. Based on the score and internal cut-off values, a variant classified as likely benign is not then subjected to further curation. The score for this variant resulted in a classification of likely benign for this disease.

Literature cited by the submitters: PubMed 35723357 (cited by 3 submitters); PubMed 38562189 (cited by Women's Health and Genetics/Laboratory Corporation of America, LabCorp); PubMed 39226896 (cited by Women's Health and Genetics/Laboratory Corporation of America, LabCorp).

NM_000093.5(COL5A1):c.3023C>T (p.Thr1008Met)

Gene: COL5A1 (collagen type V alpha 1 chain; plus strand). Cytogenetic location: 9q34.3.
Variant type: single nucleotide variant.
Coding change: c.3023C>T on transcript NM_000093.5 (MANE Select); coding-DNA position 3023, C replaced by T.
Protein change: p.Thr1008Met; replaces threonine 1008 with methionine.
Molecular consequence: missense variant.
Genome position (GRCh38, 1-based): chr9:134,802,904, C>T. VCF-style: chr9-134802904-C-T. GRCh37 (hg19) VCF-style: chr9-137694750-C-T.
Other names: p.T1008M:ACG>ATG; c.3023C>T, p.Thr1008Met (NM_001278074.1); short protein forms T1008M.
Identifiers: ClinVar variation 213047 (VCV000213047.66), dbSNP rs199735010, ClinGen allele CA323683.
Genomic context (GRCh38, chr9:134,802,904, plus strand): 5'-AAGTCACTCGAAACGTCTGTGGCTGACACTGATTTTCCCCACAGGGTCCCACGGGAGAAA[C>T]GGGCCCAATGGGTGAGCGTGGCCACCCTGGGCCCCCTGGACCCCCCGGTGAACAGGGGCT-3'
Protein context (NP_000084.3, residues 998-1018): VVGPQGPTGE[Thr1008Met]GPMGERGHPG